The following is an entry in ClinVar:

ClinVar aggregate classification (germline): Pathogenic/Likely pathogenic. Review status: criteria provided, multiple submitters, no conflicts (2 of 4 stars). 2 submissions from 2 submitters: Pathogenic (1); Likely pathogenic (1). Last evaluated 2022-12-30.

Conditions:
Asphyxiating thoracic dystrophy 5 (SRTD5). Also called: SHORT-RIB THORACIC DYSPLASIA 5 WITH OR WITHOUT POLYDACTYLY; SHORT-RIB THORACIC DYSPLASIA 5 WITHOUT POLYDACTYLY. Identifiers: Orphanet 474, MedGen C3280598, MONDO:0013717, OMIM 614376.
Senior-Loken syndrome 8 (SLSN8). Identifiers: Orphanet 3156, MedGen C4225376, MONDO:0014579, OMIM 616307.

Submissions (2):

Labcorp Genetics (formerly Invitae), Labcorp
Classification: Pathogenic for Senior-Loken syndrome 8; Asphyxiating thoracic dystrophy 5. Last evaluated: 2022-12-30. Review status: criteria provided, single submitter. Criteria: Invitae Variant Classification Sherloc (09022015). Collection method: clinical testing. Allele origin: germline.
Comment: This variant has not been reported in the literature in individuals affected with WDR19-related conditions. This variant is not present in population databases (gnomAD no frequency). This sequence change creates a premature translational stop signal (p.Arg48Lysfs*3) in the WDR19 gene. It is expected to result in an absent or disrupted protein product. Loss-of-function variants in WDR19 are known to be pathogenic (PMID: 22019273, 23559409, 23683095, 26275793, 27241786, 29068549). For these reasons, this variant has been classified as Pathogenic. ClinVar contains an entry for this variant (Variation ID: 817180).

GeneDx
Classification: Likely pathogenic. Last evaluated: 2018-08-30. Review status: criteria provided, single submitter. Criteria: GeneDx Variant Classification (06012015). Collection method: clinical testing. Allele origin: germline. Affected: yes.
Comment: The c.142dupA variant in the WDR19 gene has not been reported previously as a pathogenic variant nor as a benign variant, to our knowledge. This variant causes a frameshift starting with codon Arginine 48, changes this amino acid to a Lysine residue, and creates a premature Stop codon at position 3 of the new reading frame, denoted p.Arg48LysfsX3. This variant is predicted to cause loss of normal protein function either through protein truncation or nonsense-mediated mRNA decay. The c.142dupA variant is not observed in large population cohorts (Lek et al., 2016). We interpret c.142dupA as a likely pathogenic variant.

Literature cited by the submitters: PubMed 22019273 (cited by Labcorp Genetics (formerly Invitae), Labcorp); PubMed 23559409 (cited by Labcorp Genetics (formerly Invitae), Labcorp); PubMed 23683095 (cited by Labcorp Genetics (formerly Invitae), Labcorp); PubMed 26275793 (cited by Labcorp Genetics (formerly Invitae), Labcorp); PubMed 27241786 (cited by Labcorp Genetics (formerly Invitae), Labcorp); PubMed 29068549 (cited by Labcorp Genetics (formerly Invitae), Labcorp).

NM_025132.4(WDR19):c.142dup (p.Arg48fs)

Gene: WDR19 (WD repeat domain 19; plus strand). Cytogenetic location: 4p14.
Variant type: Duplication.
Coding change: c.142dup on transcript NM_025132.4 (MANE Select); coding-DNA position 142, one base duplicated (A; older notation c.142dupA).
Protein change: p.Arg48fs; shifts the reading frame from arginine 48.
Molecular consequence: frameshift variant. On other transcripts: 5 prime UTR variant (1).
Genome position (GRCh38, 1-based): chr4:39,186,582, A duplicated; the last of 6 consecutive A bases (chr4:39,186,577-39,186,582); duplicating any one gives the same sequence. VCF-style (leftmost placement, unchanged base first): chr4-39186576-C-CA. GRCh37 (hg19) VCF-style: chr4-39188196-C-CA.
Other names: c.-223dup (NM_001317924.2); short protein forms R48fs.
Identifiers: ClinVar variation 817180 (VCV000817180.4), dbSNP rs1577823005, ClinGen allele CA645539490.